The following is an entry in ClinVar:

NM_182640.3(MRPS9):c.553C>T (p.Leu185Phe)

Gene: MRPS9 (mitochondrial ribosomal protein S9; plus strand). Cytogenetic location: 2q12.1.
Variant type: single nucleotide variant.
Coding change: c.553C>T on transcript NM_182640.3 (MANE Select); coding-DNA position 553, C replaced by T.
Protein change: p.Leu185Phe; replaces leucine 185 with phenylalanine.
Molecular consequence: missense variant.
Genome position (GRCh38, 1-based): chr2:105,089,047, C>T. VCF-style: chr2-105089047-C-T. GRCh37 (hg19) VCF-style: chr2-105705505-C-T.
Other names: short protein forms L185F.
Identifiers: ClinVar variation 2651224 (VCV002651224.24), dbSNP rs2466667699, ClinGen allele CA347984183.

ClinVar aggregate classification (germline): Uncertain significance (1 of 4 stars; one submission).

Submission:

CeGaT Center for Human Genetics Tuebingen
Classification: Uncertain significance. Last evaluated: 2022-12-01. Review status: criteria provided, single submitter. Criteria: CeGaT Center For Human Genetics Tuebingen Variant Classification Criteria Version 2. Collection method: clinical testing. Allele origin: germline. Affected: yes. Observed: 1 variant allele.
Comment: MRPS9: PM2, BP4